The following is an entry in ClinVar:

NM_000141.5(FGFR2):c.422A>G (p.Glu141Gly)

Gene: FGFR2 (fibroblast growth factor receptor 2; minus strand). Cytogenetic location: 10q26.13.
Variant type: single nucleotide variant.
Coding change: c.422A>G on transcript NM_000141.5 (MANE Select); coding-DNA position 422, A replaced by G.
Protein change: p.Glu141Gly; replaces glutamic acid 141 with glycine.
Molecular consequence: missense variant. On other transcripts: intron variant (4).
Genome position (GRCh38, 1-based): chr10:121,564,534, T>C on the plus strand (A>G on the coding strand, the complement: FGFR2 is on the minus strand). VCF-style: chr10-121564534-T-C. GRCh37 (hg19) VCF-style: chr10-123324048-T-C.
Other names: c.422A>G, p.Glu141Gly (NM_001144913.1, NM_001144914.1, NM_001144917.2 and 3 more transcripts); c.155A>G, p.Glu52Gly (NM_001144915.2, NM_001144919.2, NM_001441088.1 and 2 more transcripts); c.110-13075A>G (NM_001144918.2, NM_001441091.1, NM_001441090.1 and 1 more transcripts); short protein forms E141G, E52G.
Identifiers: ClinVar variation 4529620 (VCV004529620.1).
Genomic context (GRCh38, chr10:121,564,534, plus strand): 5'-GGACCATCGGAGCCGGGCAGTTACTTACTCTTGTTGTTACTGTTCTCACTGACAAAATCT[T>C]CCGCACCATCGGTGTCATCCTCATCATCTCCGGATGAGATGGCATCTGTATGCAAAAGAA-3'
Protein context (NP_000132.3, residues 131-151): GDDEDDTDGA[Glu141Gly]DFVSENSNNK

ClinVar aggregate classification (germline): Uncertain significance (1 of 4 stars; one submission).

gnomAD v4.1: 1 of 1,613,982 alleles (0.000062%); highest among the groups gnomAD compares: Non-Finnish European, 0.000085%; no homozygotes.

Submission:

GeneDx
Classification: Uncertain significance. Last evaluated: 2025-05-15. Review status: criteria provided, single submitter. Criteria: GeneDx Variant Classification Process June 2021. Collection method: clinical testing. Allele origin: germline. Affected: yes.
Comment: Not observed at significant frequency in large population cohorts (gnomAD); In silico analysis supports that this missense variant has a deleterious effect on protein structure/function; Has not been previously published as pathogenic or benign to our knowledge